The following is an entry in ClinVar:

ClinVar aggregate classification (germline): Uncertain significance. Review status: criteria provided, multiple submitters, no conflicts (2 of 4 stars). 2 submissions from 2 submitters: Uncertain significance (2). Last evaluated 2024-02-23.

Conditions:
ZTTK syndrome (ZTTKS). Also called: ZTTK MULTIPLE CONGENITAL ANOMALIES-MENTAL RETARDATION SYNDROME; Zhu-Tokita-Takenouchi-Kim Syndrome. Identifiers: Orphanet 500150, MedGen C4310696, MONDO:0014936, OMIM 617140.

Allele frequency attached by ClinVar (database versions not stated): gnomAD exomes 0.00001.
gnomAD v4.1: 11 of 1,614,044 alleles (0.00068%); highest among the groups gnomAD compares: Non-Finnish European, 0.00093%; no homozygotes.

Submissions (2):

Labcorp Genetics (formerly Invitae), Labcorp
Classification: Uncertain significance. Last evaluated: 2024-02-23. Review status: criteria provided, single submitter. Criteria: Invitae Variant Classification Sherloc (09022015). Collection method: clinical testing. Allele origin: germline.
Comment: This sequence change replaces valine, which is neutral and non-polar, with methionine, which is neutral and non-polar, at codon 669 of the SON protein (p.Val669Met). This variant is not present in population databases (gnomAD no frequency). This variant has not been reported in the literature in individuals affected with SON-related conditions. ClinVar contains an entry for this variant (Variation ID: 1805375). An algorithm developed to predict the effect of missense changes on protein structure and function (PolyPhen-2) suggests that this variant is likely to be disruptive. In summary, the available evidence is currently insufficient to determine the role of this variant in disease. Therefore, it has been classified as a Variant of Uncertain Significance.

Victorian Clinical Genetics Services, Murdoch Childrens Research Institute
Classification: Uncertain significance for ZTTK syndrome. Last evaluated: 2022-03-31. Review status: criteria provided, single submitter. Criteria: ACMG Guidelines, 2015. Collection method: clinical testing. Allele origin: germline. Inheritance: Autosomal dominant inheritance. Affected: yes.
Comment: Based on the classification scheme VCGS_Germline_v1.3.4, this variant is classified as VUS-3B. Following criteria are met: 0102 - Loss of function is a known mechanism of disease in this gene and is associated with ZTTK syndrome (MIM#617140). (I) 0107 - This gene is associated with autosomal dominant disease. (I) 0200 - Variant is predicted to result in a missense amino acid change from valine to methionine. (I) 0251 - This variant is heterozygous. (I) 0301 - Variant is absent from gnomAD (both v2 and v3). (SP) 0503 - Missense variant consistently predicted to be tolerated by multiple in silico tools or not conserved in placental mammals with a minor amino acid change. (SB) 0604 - Variant is not located in an established domain, motif, hotspot or informative constraint region. (I) 0705 - No comparable missense variants have previous evidence for pathogenicity. (I) 0807 - This variant has no previous evidence of pathogenicity. (I) 0905 - No published segregation evidence has been identified for this variant. (I) 1007 - No published functional evidence has been identified for this variant. (I) 1208 - Inheritance information for this variant is not currently available in this individual. (I) Legend: (SP) - Supporting pathogenic, (I) - Information, (SB) - Supporting benign

NM_138927.4(SON):c.2005G>A (p.Val669Met)

Gene: SON (SON DNA and RNA binding protein; plus strand). Cytogenetic location: 21q22.11.
Variant type: single nucleotide variant.
Coding change: c.2005G>A on transcript NM_138927.4 (MANE Select); coding-DNA position 2005, G replaced by A.
Protein change: p.Val669Met; replaces valine 669 with methionine.
Molecular consequence: missense variant. On other transcripts: non-coding transcript variant (1), intron variant (1).
Genome position (GRCh38, 1-based): chr21:33,551,236, G>A. VCF-style: chr21-33551236-G-A. GRCh37 (hg19) VCF-style: chr21-34923542-G-A.
Other names: c.2005G>A, p.Val669Met (NM_001291411.2, NM_001412133.1, NM_032195.3 and 2 more transcripts); c.244+4857G>A (NM_001291412.3); short protein forms V669M.
Identifiers: ClinVar variation 1805375 (VCV001805375.6), dbSNP rs2517359252, ClinGen allele CA410156679.